The following is an entry in ClinVar:

ClinVar aggregate classification (germline): Conflicting classifications of pathogenicity. Review status: criteria provided, conflicting classifications (1 of 4 stars). 2 submissions from 2 submitters: Uncertain significance (1); Likely benign (1). Last evaluated 2026-04-21.

Allele frequency attached by ClinVar (database versions not stated): TOPMed 0.00013; 1000 Genomes Project 30x 0.00016; 1000 Genomes Project 0.00020; gnomAD exomes below 0.00001; ExAC 0.00005; gnomAD 0.00006.
gnomAD v4.1: 17 of 1,611,262 alleles (0.0011%); highest among the groups gnomAD compares: African/African-American, 0.02%; no homozygotes.

Submissions (2):

Women's Health and Genetics/Laboratory Corporation of America, LabCorp
Classification: Likely benign. Last evaluated: 2026-04-21. Review status: criteria provided, single submitter. Criteria: LabCorp Variant Classification Summary - May 2015. Collection method: clinical testing. Allele origin: germline.

Quest Diagnostics Nichols Institute San Juan Capistrano
Classification: Uncertain significance. Last evaluated: 2022-12-05. Review status: criteria provided, single submitter. Criteria: Quest Diagnostics criteria. Collection method: clinical testing. Allele origin: unknown.
Comment: This variant has not been reported in the published literature. The frequency of this variant in the general population, 0.00032 (8/24938 chromosomes), is uninformative in assessment of its pathogenicity. Analysis of this variant using software algorithms for the prediction of the effect of nucleotide changes on splicing yielded predictions that this variant does not affect VWF mRNA splicing . Based on the available information, we are unable to determine the clinical significance of this variant.

NM_000552.5(VWF):c.8156-6C>T

Gene: VWF (von Willebrand factor; minus strand). Cytogenetic location: 12p13.31.
Variant type: single nucleotide variant.
Coding change: c.8156-6C>T on transcript NM_000552.5 (MANE Select); 6 bases into the intron before coding-DNA position 8156, C replaced by T.
Molecular consequence: intron variant.
Genome position (GRCh38, 1-based): chr12:5,949,889, G>A on the plus strand (C>T on the coding strand, the complement: VWF is on the minus strand). VCF-style: chr12-5949889-G-A. GRCh37 (hg19) VCF-style: chr12-6059055-G-A.
Identifiers: ClinVar variation 2682132 (VCV002682132.2), dbSNP rs550925582, ClinGen allele CA6401368.
Genomic context (GRCh38, chr12:5,949,889, plus strand): 5'-CCCACCTTGACATACTGCAGCCTGGCAGTGATGTCGTTGCACTCAGGCTCCTCACCTACA[G>A]GACAGGTGAGAGATGAAACTTGAGGACTGGCTGGGGTTCTAGAGAACACTCTTCAGCCCC-3'